The following is an entry in ClinVar:

NM_017777.4(MKS1):c.1388G>A (p.Arg463Gln)

Gene: MKS1 (MKS transition zone complex subunit 1; minus strand). Cytogenetic location: 17q22.
Variant type: single nucleotide variant.
Coding change: c.1388G>A on transcript NM_017777.4 (MANE Select); coding-DNA position 1388, G replaced by A.
Protein change: p.Arg463Gln; replaces arginine 463 with glutamine.
Molecular consequence: missense variant. On other transcripts: intron variant (1).
Genome position (GRCh38, 1-based): chr17:58,207,104, C>T on the plus strand (G>A on the coding strand, the complement: MKS1 is on the minus strand). VCF-style: chr17-58207104-C-T. GRCh37 (hg19) VCF-style: chr17-56284465-C-T.
Other names: c.779G>A, p.Arg260Gln (NM_001321268.2); c.1388G>A, p.Arg463Gln (NM_001321269.2); c.1274-724G>A (NM_001330397.2); short protein forms R463Q, R260Q.
Identifiers: ClinVar variation 286884 (VCV000286884.61), dbSNP rs201619500, ClinGen allele CA8669152.

ClinVar aggregate classification (germline): Conflicting classifications of pathogenicity. Review status: criteria provided, conflicting classifications (1 of 4 stars). 17 submissions from 16 submitters: Uncertain significance (2); Benign (3); Likely benign (6). 6 of the submissions do not count toward it. Last evaluated 2026-02-01.

Conditions:
Meckel-Gruber syndrome. Also called: GRUBER SYNDROME; DYSENCEPHALIA SPLANCHNOCYSTICA; Dysencephalia splachnocystica. Identifiers: Orphanet 564, MedGen C0265215, MONDO:0018921.
Joubert syndrome. Also called: Familial aplasia of the vermis; JOUBERT-BOLTSHAUSER SYNDROME. Identifiers: Orphanet 475, MedGen C5979921, MONDO:0018772.
Meckel syndrome, type 1 (MKS1). Also called: MECKEL-GRUBER SYNDROME, TYPE 1. Identifiers: Orphanet 564, MedGen C3714506, MONDO:0009571, OMIM 249000.
Bardet-Biedl syndrome (BBS). Identifiers: Orphanet 110, MedGen C0752166, MONDO:0015229.
Bardet-Biedl syndrome 13 (BBS13). Identifiers: Orphanet 110, MedGen C2673873, MONDO:0014441, OMIM 615990.
Early onset severe obesity. Identifiers: MedGen C4013980.

Allele frequency attached by ClinVar (database versions not stated): gnomAD exomes 0.00261 and 0.00220; TOPMed 0.00264; 1000 Genomes Project 0.00060; 1000 Genomes Project 30x 0.00109; gnomAD 0.00174 and 0.00235; ESP Exome Variant Server 0.00206; ExAC 0.00212.
gnomAD v4.1: 4,211 of 1,614,132 alleles (0.26%); highest among the groups gnomAD compares: Non-Finnish European, 0.28%; 18 homozygotes.

Submissions (24):

CeGaT Center for Human Genetics Tuebingen
Classification: Likely benign. Last evaluated: 2026-02-01. Review status: criteria provided, single submitter. Criteria: CeGaT Center For Human Genetics Tuebingen Variant Classification Criteria Version 2. Collection method: clinical testing. Allele origin: germline. Affected: yes. Observed: 16 variant alleles.
Comment: MKS1: PM5:Supporting, BP4, BS1

Labcorp Genetics (formerly Invitae), Labcorp
Classification: Benign for Joubert syndrome; Meckel-Gruber syndrome. Last evaluated: 2026-01-28. Review status: criteria provided, single submitter. Criteria: Invitae Variant Classification Sherloc (09022015). Collection method: clinical testing. Allele origin: germline.

Cambridge Genomics Laboratory, East Genomic Laboratory Hub, NHS Genomic Medicine Service
Classification: Likely benign for Severe early-onset obesity. Last evaluated: 2025-04-25. Review status: criteria provided, single submitter. Criteria: ACGS Best Practice Guidelines for Variant Classification in Rare Disease 2020. Collection method: clinical testing. Allele origin: germline. Affected: yes.
Comment: BS1_Strong,BP4

Blueprint Genetics
Classification: Likely benign. Last evaluated: 2024-11-27. Review status: criteria provided, single submitter. Criteria: ACMG Guidelines, 2015. Collection method: clinical testing. Allele origin: germline.

Women's Health and Genetics/Laboratory Corporation of America, LabCorp
Classification: Benign. Last evaluated: 2023-12-14. Review status: criteria provided, single submitter. Criteria: LabCorp Variant Classification Summary - May 2015. Collection method: clinical testing. Allele origin: germline.
Comment: Variant summary: MKS1 c.1388G>A (p.Arg463Gln) results in a conservative amino acid change in the encoded protein sequence. Four of five in-silico tools predict a benign effect of the variant on protein function. The variant allele was found at a frequency of 0.0022 in 249540 control chromosomes in the gnomAD database, including 3 homozygotes. The observed variant frequency is approximately 1.96 fold of the estimated maximal expected allele frequency for a pathogenic variant in MKS1 causing Meckel Syndrome Type 1 phenotype (0.0011), strongly suggesting that the variant is benign. To our knowledge, no occurrence of c.1388G>A in individuals affected with Meckel Syndrome Type 1 and no experimental evidence demonstrating its impact on protein function have been reported. Nine submitters have cited clinical-significance assessments for this variant to ClinVar after 2014 (likely pathogenic n=1, VUS n=1, likely benign/benign n=7). Based on the evidence outlined above, the variant was classified as benign.

GeneDx
Classification: Likely benign. Last evaluated: 2020-07-01. Review status: criteria provided, single submitter. Criteria: GeneDx Variant Classification Process June 2021. Collection method: clinical testing. Allele origin: germline. Affected: yes.
Comment: This variant is associated with the following publications: (PMID: 27353947, 31456290)

Illumina Laboratory Services, Illumina
Classification: Uncertain significance for Meckel syndrome, type 1. Last evaluated: 2018-01-13. Review status: criteria provided, single submitter. Criteria: ICSL Variant Classification Criteria 13 December 2019. Collection method: clinical testing. Allele origin: germline.

Illumina Laboratory Services, Illumina
Classification: Uncertain significance for Bardet-Biedl syndrome 13. Last evaluated: 2018-01-13. Review status: criteria provided, single submitter. Criteria: ICSL Variant Classification Criteria 13 December 2019. Collection method: clinical testing. Allele origin: germline.

Genetic Services Laboratory, University of Chicago
Classification: Benign. Last evaluated: 2017-09-22. Review status: criteria provided, single submitter. Criteria: ACMG Guidelines, 2015. Collection method: clinical testing. Allele origin: germline. Affected: no.

Center for Pediatric Genomic Medicine, Children's Mercy Hospital and Clinics
Classification: Likely benign. Last evaluated: 2017-03-09. Review status: criteria provided, single submitter. Criteria: ACMG Guidelines, 2015. Collection method: clinical testing. Allele origin: germline.

Eurofins Ntd Llc (ga)
Classification: Likely benign. Last evaluated: 2016-03-14. Review status: criteria provided, single submitter. Criteria: EGL Classification Definitions 2015. Collection method: clinical testing. Allele origin: germline. Observed: 1 variant allele, 1 heterozygote.

Natera, Inc.
Classification: Benign for Meckel syndrome type 1. Last evaluated: 2020-01-07. Review status: no assertion criteria provided. Collection method: clinical testing. Allele origin: germline. Not counted in ClinVar's aggregate classification.

Sharon lab, Hadassah-Hebrew University Medical Center
Classification: Likely pathogenic for Bardet-Biedl syndrome. Last evaluated: 2019-06-23. Review status: no assertion criteria provided. Collection method: research. Allele origin: inherited. Affected: yes. Not counted in ClinVar's aggregate classification.

Clinical Genetics DNA and cytogenetics Diagnostics Lab, Erasmus MC, Erasmus Medical Center
Classification: Likely benign. Review status: no assertion criteria provided. Collection method: clinical testing. Allele origin: germline. Affected: yes. Study: VKGL Data-share Consensus. Not counted in ClinVar's aggregate classification.

Clinical Genetics, Academic Medical Center
Classification: Likely benign. Review status: no assertion criteria provided. Collection method: clinical testing. Allele origin: germline. Affected: yes. Study: VKGL Data-share Consensus. Not counted in ClinVar's aggregate classification.

Dr. Peter K. Rogan Lab, Western University
No classification provided (evidence only). Condition: Thyroid cancer, nonmedullary, 1. Review status: no classification provided. Collection method: in vitro. Allele origin: not applicable. Functional consequence: skipped exon. Not counted in ClinVar's aggregate classification.

Dr. Peter K. Rogan Lab, Western University
No classification provided (evidence only). Condition: Thyroid cancer, nonmedullary, 1. Review status: no classification provided. Collection method: in vitro. Allele origin: not applicable. Functional consequence: skipped exon. Not counted in ClinVar's aggregate classification.

Dr. Peter K. Rogan Lab, Western University
No classification provided (evidence only). Condition: Uterine corpus endometrial carcinoma. Review status: no classification provided. Collection method: in vitro. Allele origin: not applicable. Functional consequence: skipped exon, retained intron. Not counted in ClinVar's aggregate classification.

Dr. Peter K. Rogan Lab, Western University
No classification provided (evidence only). Condition: Cervical cancer. Review status: no classification provided. Collection method: in vitro. Allele origin: not applicable. Functional consequence: skipped exon. Not counted in ClinVar's aggregate classification.

Dr. Peter K. Rogan Lab, Western University
No classification provided (evidence only). Condition: Sarcoma. Review status: no classification provided. Collection method: in vitro. Allele origin: not applicable. Functional consequence: skipped exon. Not counted in ClinVar's aggregate classification.

Dr. Peter K. Rogan Lab, Western University
No classification provided (evidence only). Condition: Sarcoma. Review status: no classification provided. Collection method: in vitro. Allele origin: not applicable. Functional consequence: skipped exon. Not counted in ClinVar's aggregate classification.

Dr. Peter K. Rogan Lab, Western University
No classification provided (evidence only). Condition: Thymoma. Review status: no classification provided. Collection method: in vitro. Allele origin: not applicable. Functional consequence: retained intron. Not counted in ClinVar's aggregate classification.

Genome Diagnostics Laboratory, University Medical Center Utrecht
Classification: Benign. Review status: no assertion criteria provided. Collection method: clinical testing. Allele origin: germline. Affected: yes. Study: VKGL Data-share Consensus. Not counted in ClinVar's aggregate classification.

Laboratory of Diagnostic Genome Analysis, Leiden University Medical Center (LUMC)
Classification: Likely benign. Review status: no assertion criteria provided. Collection method: clinical testing. Allele origin: germline. Affected: yes. Study: VKGL Data-share Consensus. Not counted in ClinVar's aggregate classification.